The following is an entry in ClinVar:

NM_003482.4(KMT2D):c.7794C>T (p.Ser2598=)

Gene: KMT2D (lysine methyltransferase 2D; minus strand). Cytogenetic location: 12q13.12.
Variant type: single nucleotide variant.
Coding change: c.7794C>T on transcript NM_003482.4 (MANE Select); coding-DNA position 7794, C replaced by T.
Protein change: p.Ser2598=; no amino-acid change (serine 2598 retained).
Molecular consequence: synonymous variant.
Genome position (GRCh38, 1-based): chr12:49,039,976, G>A on the plus strand (C>T on the coding strand, the complement: KMT2D is on the minus strand). VCF-style: chr12-49039976-G-A. GRCh37 (hg19) VCF-style: chr12-49433759-G-A.
Other names: c.7794C>T (NM_003482.3).
Identifiers: ClinVar variation 1581048 (VCV001581048.11), dbSNP rs368824617, ClinGen allele CA6546992.
Genomic context (GRCh38, chr12:49,039,976, plus strand): 5'-TGGTGGCAGAACCGACGGAGGGCGTAGTGGGGACAGCCCATAGCTCTCCCCTGTGGACCC[G>A]CTGCTGGGCCCCAGGGGGCTGCCCGATGGGTGGAAGTTCCCTGTGGCTACTGTGTAGTTT-3'
Protein context (NP_003473.3, residues 2588-2608): HPSGSPLGPS[Ser2598=]GSTGESYGLS

ClinVar aggregate classification (germline): Likely benign. Review status: criteria provided, multiple submitters, no conflicts (2 of 4 stars). 3 submissions from 3 submitters: Likely benign (2). 1 of the submissions does not count toward it. Last evaluated 2025-12-07.

Conditions:
KMT2D-related disorder. Also called: KMT2D-Related Disorders.
Kabuki syndrome. Also called: NIIKAWA-KUROKI SYNDROME; Kabuki make-up syndrome. Identifiers: Orphanet 2322, MedGen C0796004, MONDO:0016512.

Allele frequency attached by ClinVar (database versions not stated): gnomAD 0.00001; TOPMed 0.00001; gnomAD exomes 0.00003; ExAC 0.00008; ESP Exome Variant Server 0.00025.
gnomAD v4.1: 52 of 1,613,632 alleles (0.0032%); highest among the groups gnomAD compares: Non-Finnish European, 0.0038%; no homozygotes.

Submissions (3):

Labcorp Genetics (formerly Invitae), Labcorp
Classification: Likely benign for Kabuki syndrome. Last evaluated: 2025-12-07. Review status: criteria provided, single submitter. Criteria: Invitae Variant Classification Sherloc (09022015). Collection method: clinical testing. Allele origin: germline.

Blueprint Genetics
Classification: Likely benign. Last evaluated: 2024-04-05. Review status: criteria provided, single submitter. Criteria: ACMG Guidelines, 2015. Collection method: clinical testing. Allele origin: germline.

PreventionGenetics, part of Exact Sciences
Classification: Likely benign for KMT2D-related condition. Last evaluated: 2020-12-16. Review status: no assertion criteria provided. Collection method: clinical testing. Allele origin: germline. Not counted in ClinVar's aggregate classification.
Comment: This variant is classified as likely benign based on ACMG/AMP sequence variant interpretation guidelines (Richards et al. 2015 PMID: 25741868, with internal and published modifications).